The following is an entry in ClinVar:

NM_004637.6(RAB7A):c.-29G>T

Gene: RAB7A (RAB7A, member RAS oncogene family; plus strand). Cytogenetic location: 3q21.3.
Variant type: single nucleotide variant.
Coding change: c.-29G>T on transcript NM_004637.6 (MANE Select); 29 bases upstream of the start codon, G replaced by T.
Molecular consequence: 5 prime UTR variant.
Genome position (GRCh38, 1-based): chr3:128,726,339, G>T. VCF-style: chr3-128726339-G-T. GRCh37 (hg19) VCF-style: chr3-128445182-G-T.
Identifiers: ClinVar variation 138862 (VCV000138862.5), dbSNP rs112000804, ClinGen allele CA293012.
Genomic context (GRCh38, chr3:128,726,339, plus strand): 5'-CTTCTGTCCTCCGTTTAGTCTCCTCCTCGGCGGGAGCCCTCGCGACGCGCCCGGCCCGGA[G>T]CCCCCAGCGCAGCGGCCGCGGTAAGCAGCGGGCCCAGCCCGGCCGGCGGCCTGGCCCCAT-3'

ClinVar aggregate classification (germline): Benign. Review status: criteria provided, multiple submitters, no conflicts (2 of 4 stars). 2 submissions from 2 submitters: Benign (2). Last evaluated 2018-01-13.

Conditions:
Charcot-Marie-Tooth disease type 2B (CMT2B). Also called: CHARCOT-MARIE-TOOTH DISEASE, AXONAL, TYPE 2B; CHARCOT-MARIE-TOOTH DISEASE, AUTOSOMAL DOMINANT, TYPE 2B; HEREDITARY MOTOR AND SENSORY NEUROPATHY IIB; Charcot-Marie-Tooth Neuropathy Type 2B. Identifiers: Orphanet 99936, MedGen C1833219, MONDO:0010949, OMIM 600882.

Allele frequency attached by ClinVar (database versions not stated): gnomAD 0.01334 and 0.01233; 1000 Genomes Project 30x 0.00515; TOPMed 0.01082; 1000 Genomes Project 0.00459; gnomAD exomes 0.01442.
gnomAD v4.1: 1,953 of 152,332 alleles (1.3%); highest among the groups gnomAD compares: Non-Finnish European, 1.7%; 28 homozygotes.

Submissions (2):

Illumina Laboratory Services, Illumina
Classification: Benign for Charcot-Marie-Tooth disease type 2B. Last evaluated: 2018-01-13. Review status: criteria provided, single submitter. Criteria: ICSL Variant Classification Criteria 13 December 2019. Collection method: clinical testing. Allele origin: germline.
Comment: This variant was observed in the ICSL laboratory as part of a predisposition screen in an ostensibly healthy population. It had not been previously curated by ICSL or reported in the Human Gene Mutation Database (HGMD: prior to June 1st, 2018), and was therefore a candidate for classification through an automated scoring system. Utilizing variant allele frequency, disease prevalence and penetrance estimates, and inheritance mode, an automated score was calculated to assess if this variant is too frequent to cause the disease. Based on the score and internal cut-off values, a variant classified as benign is not then subjected to further curation. The score for this variant resulted in a classification of benign for this disease.

GeneDx
Classification: Benign. Last evaluated: 2014-05-23. Review status: criteria provided, single submitter. Criteria: GeneDx Variant Classification (06012015). Collection method: clinical testing. Allele origin: germline. Affected: yes.
Comment: This variant is considered likely benign or benign based on one or more of the following criteria: it is a conservative change, it occurs at a poorly conserved position in the protein, it is predicted to be benign by multiple in silico algorithms, and/or has population frequency not consistent with disease.